The following is an entry in ClinVar:

NM_001012614.2(CTBP1):c.807G>A (p.Lys269=)

Genes: CTBP1 (C-terminal binding protein 1; minus strand), CTBP1-AS (CTBP1 antisense RNA; plus strand). Cytogenetic location: 4p16.3.
Variant type: single nucleotide variant.
Coding change: c.807G>A on transcript NM_001012614.2 (MANE Select); coding-DNA position 807, G replaced by A.
Protein change: p.Lys269=; no amino-acid change (lysine 269 retained).
Molecular consequence: synonymous variant.
Genome position (GRCh38, 1-based): chr4:1,214,396, C>T on the plus strand (G>A on the coding strand, the complement: CTBP1 is on the minus strand). VCF-style: chr4-1214396-C-T. GRCh37 (hg19) VCF-style: chr4-1208184-C-T.
Other names: c.840G>A, p.Lys280= (NM_001328.3, NM_001377186.1); c.807G>A, p.Lys269= (NM_001377187.1, NM_001377188.1, NM_001377189.1 and 4 more transcripts).
Identifiers: ClinVar variation 3778589 (VCV003778589.7).

ClinVar aggregate classification (germline): Likely benign (1 of 4 stars; one submission).

Submission:

CeGaT Center for Human Genetics Tuebingen
Classification: Likely benign. Last evaluated: 2025-03-01. Review status: criteria provided, single submitter. Criteria: CeGaT Center For Human Genetics Tuebingen Variant Classification Criteria Version 2. Collection method: clinical testing. Allele origin: germline. Affected: yes. Observed: 1 variant allele.
Comment: CTBP1: PM2:Supporting, BP4, BP7